The following is an entry in ClinVar:

ClinVar aggregate classification (germline): Uncertain significance. Review status: criteria provided, multiple submitters, no conflicts (2 of 4 stars). 2 submissions from 2 submitters: Uncertain significance (2). Last evaluated 2025-11-18.

gnomAD v4.1: 24 of 1,613,064 alleles (0.0015%); highest among the groups gnomAD compares: South Asian, 0.0011%; no homozygotes.

Submissions (2):

Labcorp Genetics (formerly Invitae), Labcorp
Classification: Uncertain significance. Last evaluated: 2025-11-18. Review status: criteria provided, single submitter. Criteria: Invitae Variant Classification Sherloc (09022015). Collection method: clinical testing. Allele origin: germline.
Comment: This sequence change replaces arginine, which is basic and polar, with glutamine, which is neutral and polar, at codon 578 of the NUP133 protein (p.Arg578Gln). This variant is present in population databases (rs147206327, gnomAD 0.03%). This variant has not been reported in the literature in individuals affected with NUP133-related conditions. ClinVar contains an entry for this variant (Variation ID: 3408601). An algorithm developed to predict the effect of missense changes on protein structure and function (PolyPhen-2) suggests that this variant is likely to be disruptive. In summary, the available evidence is currently insufficient to determine the role of this variant in disease. Therefore, it has been classified as a Variant of Uncertain Significance.

Ambry Genetics
Classification: Uncertain significance. Last evaluated: 2024-07-14. Review status: criteria provided, single submitter. Criteria: Ambry Variant Classification Scheme 2023. Collection method: clinical testing. Allele origin: germline.

NM_018230.3(NUP133):c.1733G>A (p.Arg578Gln)

Gene: NUP133 (nucleoporin 133; minus strand). Cytogenetic location: 1q42.13.
Variant type: single nucleotide variant.
Coding change: c.1733G>A on transcript NM_018230.3 (MANE Select); coding-DNA position 1733, G replaced by A.
Protein change: p.Arg578Gln; replaces arginine 578 with glutamine.
Molecular consequence: missense variant.
Genome position (GRCh38, 1-based): chr1:229,477,620, C>T on the plus strand (G>A on the coding strand, the complement: NUP133 is on the minus strand). VCF-style: chr1-229477620-C-T. GRCh37 (hg19) VCF-style: chr1-229613367-C-T.
Other names: short protein forms R578Q.
Identifiers: ClinVar variation 3408601 (VCV003408601.2).
Genomic context (GRCh38, chr1:229,477,620, plus strand): 5'-TTCAAAACACACCGTTCCATAATTGAAACATTCTTACCCTCAGGGACAGACTCAGCCCAC[C>T]GTGGGTCAGATGCTGGGTAGTCATCCATCAGGTCTACACTGATTTGGGTAACTGCCCTGT-3'
Protein context (NP_060700.2, residues 568-588): LMDDYPASDP[Arg578Gln]WAESVPEEAP